The following is an entry in ClinVar:

ClinVar aggregate classification (germline): Uncertain significance. Review status: criteria provided, multiple submitters, no conflicts (2 of 4 stars). 2 submissions from 2 submitters: Uncertain significance (2). Last evaluated 2025-01-11.

Conditions:
Early-infantile DEE. Also called: Early infantile epileptic encephalopathy with suppression bursts; Early infantile epileptic encephalopathy; Ohtahara syndrome. Identifiers: Orphanet 1934, MedGen C0393706, MONDO:0800491.

Submissions (2):

GeneDx
Classification: Uncertain significance. Last evaluated: 2025-01-11. Review status: criteria provided, single submitter. Criteria: GeneDx Variant Classification Process June 2021. Collection method: clinical testing. Allele origin: germline. Affected: yes.
Comment: Not observed at significant frequency in large population cohorts (gnomAD); In silico analysis supports that this missense variant has a deleterious effect on protein structure/function; Has not been previously published as pathogenic or benign to our knowledge; This substitution is predicted to be within the cytoplasmic loop between the first and second homologous domains

Labcorp Genetics (formerly Invitae), Labcorp
Classification: Uncertain significance for Early-infantile DEE. Last evaluated: 2022-07-18. Review status: criteria provided, single submitter. Criteria: Invitae Variant Classification Sherloc (09022015). Collection method: clinical testing. Allele origin: germline.
Comment: This sequence change replaces aspartic acid, which is acidic and polar, with tyrosine, which is neutral and polar, at codon 686 of the SCN8A protein (p.Asp686Tyr). This variant is not present in population databases (gnomAD no frequency). This variant has not been reported in the literature in individuals affected with SCN8A-related conditions. ClinVar contains an entry for this variant (Variation ID: 582391). Algorithms developed to predict the effect of missense changes on protein structure and function are either unavailable or do not agree on the potential impact of this missense change (SIFT: "Deleterious"; PolyPhen-2: "Possibly Damaging"; Align-GVGD: "Class C0"). Algorithms developed to predict the effect of sequence changes on RNA splicing suggest that this variant may create or strengthen a splice site. In summary, the available evidence is currently insufficient to determine the role of this variant in disease. Therefore, it has been classified as a Variant of Uncertain Significance.

NM_001330260.2(SCN8A):c.2056G>T (p.Asp686Tyr)

Gene: SCN8A (sodium voltage-gated channel alpha subunit 8; plus strand). Cytogenetic location: 12q13.13.
Variant type: single nucleotide variant.
Coding change: c.2056G>T on transcript NM_001330260.2 (MANE Select); coding-DNA position 2056, G replaced by T.
Protein change: p.Asp686Tyr; replaces aspartic acid 686 with tyrosine.
Molecular consequence: missense variant.
Genome position (GRCh38, 1-based): chr12:51,745,960, G>T. VCF-style: chr12-51745960-G-T. GRCh37 (hg19) VCF-style: chr12-52139744-G-T.
Other names: c.2056G>T, p.Asp686Tyr (NM_001177984.3, NM_001369788.1, NM_014191.4); short protein forms D686Y.
Identifiers: ClinVar variation 582391 (VCV000582391.12), dbSNP rs373073046, ClinGen allele CA384878586.